The following is an entry in ClinVar:

ClinVar aggregate classification (germline): Uncertain significance. Review status: criteria provided, multiple submitters, no conflicts (2 of 4 stars). 3 submissions from 3 submitters: Uncertain significance (2). 1 of the submissions does not count toward it. Last evaluated 2024-06-03.

Conditions:
Retinal dystrophy. Also called: Inherited retinal dystrophy. Identifiers: Orphanet 71862, MedGen C0854723, MeSH D058499, MONDO:0019118, HP:0000556.
Nephronophthisis 14 (NPHP14). Identifiers: Orphanet 2318, MedGen C3539071, MONDO:0013916, OMIM 614844.

Allele frequency attached by ClinVar (database versions not stated): gnomAD 0.00002 and 0.00003; ExAC 0.00006; TOPMed 0.00006.
gnomAD v4.1: 57 of 1,613,200 alleles (0.0035%); highest among the groups gnomAD compares: Middle Eastern, 0.017%; no homozygotes.

Submissions (3):

Labcorp Genetics (formerly Invitae), Labcorp
Classification: Uncertain significance for Nephronophthisis 14. Last evaluated: 2024-06-03. Review status: criteria provided, single submitter. Criteria: Invitae Variant Classification Sherloc (09022015). Collection method: clinical testing. Allele origin: germline.
Comment: This sequence change replaces arginine, which is basic and polar, with cysteine, which is neutral and slightly polar, at codon 920 of the ZNF423 protein (p.Arg920Cys). This variant is present in population databases (rs201335350, gnomAD 0.01%). This variant has not been reported in the literature in individuals affected with ZNF423-related conditions. ClinVar contains an entry for this variant (Variation ID: 856998). Advanced modeling of protein sequence and biophysical properties (such as structural, functional, and spatial information, amino acid conservation, physicochemical variation, residue mobility, and thermodynamic stability) performed at Invitae indicates that this missense variant is not expected to disrupt ZNF423 protein function with a negative predictive value of 80%. In summary, the available evidence is currently insufficient to determine the role of this variant in disease. Therefore, it has been classified as a Variant of Uncertain Significance.

Ambry Genetics
Classification: Uncertain significance. Last evaluated: 2023-08-14. Review status: criteria provided, single submitter. Criteria: Ambry Variant Classification Scheme 2023. Collection method: clinical testing. Allele origin: germline.

Institute of Human Genetics, Univ. Regensburg, Univ. Regensburg
Classification: Uncertain significance for Retinal dystrophy. Last evaluated: 2022-01-01. Review status: no assertion criteria provided. Criteria: ACMG Guidelines, 2015. Collection method: clinical testing. Allele origin: germline. Affected: yes. Not counted in ClinVar's aggregate classification.

NM_001379286.1(ZNF423):c.2782C>T (p.Arg928Cys)

Gene: ZNF423 (zinc finger protein 423; minus strand). Cytogenetic location: 16q12.1.
Variant type: single nucleotide variant.
Coding change: c.2782C>T on transcript NM_001379286.1 (MANE Select); coding-DNA position 2782, C replaced by T.
Protein change: p.Arg928Cys; replaces arginine 928 with cysteine.
Molecular consequence: missense variant.
Genome position (GRCh38, 1-based): chr16:49,636,394, G>A on the plus strand (C>T on the coding strand, the complement: ZNF423 is on the minus strand). VCF-style: chr16-49636394-G-A. GRCh37 (hg19) VCF-style: chr16-49670305-G-A.
Other names: c.2578C>T, p.Arg860Cys (NM_001271620.2); c.2407C>T, p.Arg803Cys (NM_001330533.2); c.2758C>T, p.Arg920Cys (NM_015069.5); c.2758C>T (NM_015069.2); short protein forms R803C, R860C, R920C, R928C.
Identifiers: ClinVar variation 856998 (VCV000856998.9), dbSNP rs201335350, ClinGen allele CA8046429.